The following is an entry in ClinVar:

NM_016953.4(PDE11A):c.1660del (p.Cys554fs)

Gene: PDE11A (phosphodiesterase 11A; minus strand). Cytogenetic location: 2q31.2.
Variant type: Deletion.
Coding change: c.1660del on transcript NM_016953.4 (MANE Select); coding-DNA position 1660, one base deleted (T; older notation c.1660delT).
Protein change: p.Cys554fs; shifts the reading frame from cysteine 554.
Molecular consequence: frameshift variant.
Genome position (GRCh38, 1-based): chr2:177,816,906, A deleted on the plus strand (T on the coding strand, the reverse complement: PDE11A is on the minus strand); the first of 4 consecutive A bases (chr2:177,816,906-177,816,909); deleting any one gives the same sequence. VCF-style (leftmost placement, unchanged base first): chr2-177816905-CA-C. GRCh37 (hg19) VCF-style: chr2-178681632-CA-C.
Other names: c.328del, p.Cys110fs (NM_001077196.2); c.910del, p.Cys304fs (NM_001077197.2); c.586del, p.Cys196fs (NM_001077358.2); c.1660delT (NM_016953.3); short protein forms C304fs, C110fs, C196fs, C554fs.
Identifiers: ClinVar variation 725065 (VCV000725065.11), dbSNP rs573163079, ClinGen allele CA1981854.

ClinVar aggregate classification (germline): Conflicting classifications of pathogenicity. Review status: criteria provided, conflicting classifications (1 of 4 stars). 4 submissions from 4 submitters: Uncertain significance (3); Likely benign (1). Last evaluated 2022-09-15.

Conditions:
Pigmented nodular adrenocortical disease, primary, 2 (PPNAD2). Also called: CUSHING SYNDROME, ADRENAL, DUE TO PPNAD2; PIGMENTED MICRONODULAR ADRENOCORTICAL DISEASE, PRIMARY, 2. Identifiers: Orphanet 189439, MedGen C1864851, MONDO:0012505, OMIM 610475.

Submissions (4):

Department of Pathology and Laboratory Medicine, Sinai Health System
Classification: Uncertain significance for pigmented nodular adrenocortical disease, primary, 2. Last evaluated: 2022-09-15. Review status: criteria provided, single submitter. Criteria: ACMG Guidelines, 2015. Collection method: research. Allele origin: germline.

Labcorp Genetics (formerly Invitae), Labcorp
Classification: Likely benign. Last evaluated: 2019-12-31. Review status: criteria provided, single submitter. Criteria: Invitae Variant Classification Sherloc (09022015). Collection method: clinical testing. Allele origin: germline.

Centre for Mendelian Genomics, University Medical Centre Ljubljana
Classification: Uncertain significance for Pigmented nodular adrenocortical disease, primary, 2. Last evaluated: 2019-04-05. Review status: criteria provided, single submitter. Criteria: ACMG Guidelines, 2015. Collection method: clinical testing. Allele origin: unknown. Affected: yes.
Comment: This variant was classified as: Uncertain significance. The available evidence on this variant's pathogenicity is insufficient or conflicting. The following ACMG criteria were applied in classifying this variant: PVS1.

Institute of Human Genetics, University of Leipzig Medical Center
Classification: Uncertain significance for Pigmented nodular adrenocortical disease, primary, 2. Last evaluated: 2019-01-01. Review status: criteria provided, single submitter. Criteria: ACMG Guidelines, 2015. Collection method: clinical testing. Allele origin: unknown. Affected: yes.